The following is an entry in ClinVar:

NM_004456.5(EZH2):c.283G>A (p.Val95Ile)

Gene: EZH2 (enhancer of zeste 2 polycomb repressive complex 2 subunit; minus strand). Cytogenetic location: 7q36.1.
Variant type: single nucleotide variant.
Coding change: c.283G>A on transcript NM_004456.5 (MANE Select); coding-DNA position 283, G replaced by A.
Protein change: p.Val95Ile; replaces valine 95 with isoleucine.
Molecular consequence: missense variant. On other transcripts: intron variant (1).
Genome position (GRCh38, 1-based): chr7:148,832,714, C>T on the plus strand (G>A on the coding strand, the complement: EZH2 is on the minus strand). VCF-style: chr7-148832714-C-T. GRCh37 (hg19) VCF-style: chr7-148529806-C-T.
Other names: c.283G>A, p.Val95Ile (NM_001203247.2); c.256G>A, p.Val86Ile (NM_001203248.2, NM_001203249.2); c.247-2866G>A (NM_152998.3); short protein forms V95I, V86I.
Identifiers: ClinVar variation 1495402 (VCV001495402.8), dbSNP rs2129478065, ClinGen allele CA369707264.
Genomic context (GRCh38, chr7:148,832,714, plus strand): 5'-GAGACCAAGAATACATTATGGGTACTGAAGCAACTGCATTCAGAGTCTTTAATGGGATGA[C>T]TTGTGTTGGAAAATCCAAGTCACTGGTCACCGAACACTAAAACAGAAAAAATAAAATTGA-3'
Protein context (NP_004447.2, residues 85-105): VTSDLDFPTQ[Val95Ile]IPLKTLNAVA

ClinVar aggregate classification (germline): Uncertain significance (1 of 4 stars; one submission).

Conditions:
Weaver syndrome (WVS). Also called: Weaver Smith syndrome; Overgrowth syndrome with accelerated skeletal maturation, unusual facies, and camptodactyly. Identifiers: Orphanet 3447, MedGen C0265210, MONDO:0010193, OMIM 277590.

Allele frequency attached by ClinVar (database versions not stated): gnomAD exomes below 0.00001.
gnomAD v4.1: 2 of 1,608,958 alleles (0.00012%); highest among the groups gnomAD compares: East Asian, 0.0022%; no homozygotes.

Submission:

Labcorp Genetics (formerly Invitae), Labcorp
Classification: Uncertain significance for Weaver syndrome. Last evaluated: 2021-05-03. Review status: criteria provided, single submitter. Criteria: Invitae Variant Classification Sherloc (09022015). Collection method: clinical testing. Allele origin: germline.
Comment: In summary, the available evidence is currently insufficient to determine the role of this variant in disease. Therefore, it has been classified as a Variant of Uncertain Significance. Advanced modeling of protein sequence and biophysical properties (such as structural, functional, and spatial information, amino acid conservation, physicochemical variation, residue mobility, and thermodynamic stability) performed at Invitae indicates that this missense variant is not expected to disrupt EZH2 protein function. This variant has not been reported in the literature in individuals with EZH2-related conditions. This variant is not present in population databases (ExAC no frequency). This sequence change replaces valine with isoleucine at codon 95 of the EZH2 protein (p.Val95Ile). The valine residue is moderately conserved and there is a small physicochemical difference between valine and isoleucine.